The following is an entry in ClinVar:

ClinVar aggregate classification (germline): Likely benign (1 of 4 stars; one submission).

Allele frequency attached by ClinVar (database versions not stated): TOPMed 0.00001; gnomAD exomes 0.00002 and below 0.00001; gnomAD 0.00003.
gnomAD v4.1: 33 of 1,613,984 alleles (0.002%); highest among the groups gnomAD compares: Non-Finnish European, 0.0028%; no homozygotes.

Submission:

CeGaT Center for Human Genetics Tuebingen
Classification: Likely benign. Last evaluated: 2022-07-01. Review status: criteria provided, single submitter. Criteria: CeGaT Center For Human Genetics Tuebingen Variant Classification Criteria Version 2. Collection method: clinical testing. Allele origin: germline. Affected: yes. Observed: 1 variant allele.
Comment: IL27RA: BP4, BP7

NM_004843.4(IL27RA):c.342C>G (p.Leu114=)

Gene: IL27RA (interleukin 27 receptor subunit alpha; plus strand). Cytogenetic location: 19p13.12.
Variant type: single nucleotide variant.
Coding change: c.342C>G on transcript NM_004843.4 (MANE Select); coding-DNA position 342, C replaced by G.
Protein change: p.Leu114=; no amino-acid change (leucine 114 retained).
Molecular consequence: synonymous variant.
Genome position (GRCh38, 1-based): chr19:14,039,631, C>G. VCF-style: chr19-14039631-C-G. GRCh37 (hg19) VCF-style: chr19-14150443-C-G.
Identifiers: ClinVar variation 1701355 (VCV001701355.31), dbSNP rs1231833843, ClinGen allele CA505791112.